The following is an entry in ClinVar:

NM_002755.4(MAP2K1):c.803C>T (p.Ala268Val)

Gene: MAP2K1 (mitogen-activated protein kinase kinase 1; plus strand). Cytogenetic location: 15q22.31.
Variant type: single nucleotide variant.
Coding change: c.803C>T on transcript NM_002755.4 (MANE Select); coding-DNA position 803, C replaced by T.
Protein change: p.Ala268Val; replaces alanine 268 with valine.
Molecular consequence: missense variant.
Genome position (GRCh38, 1-based): chr15:66,485,099, C>T. VCF-style: chr15-66485099-C-T. GRCh37 (hg19) VCF-style: chr15-66777437-C-T.
Other names: short protein forms A268V.
Identifiers: ClinVar variation 228848 (VCV000228848.7), dbSNP rs757459909, ClinGen allele CA7624020.

ClinVar aggregate classification (germline): Uncertain significance. Review status: criteria provided, multiple submitters, no conflicts (2 of 4 stars). 3 submissions from 3 submitters: Uncertain significance (3). Last evaluated 2025-01-28.

Conditions:
Cardiovascular phenotype. Identifiers: MedGen CN230736.
RASopathy. Also called: rasopathies; Noonan spectrum disorder. Identifiers: Orphanet 536391, MedGen C5555857, MONDO:0021060.

Allele frequency attached by ClinVar (database versions not stated): ExAC 0.00001; gnomAD exomes below 0.00001; TOPMed below 0.00001.
gnomAD v4.1: 1 of 1,614,006 alleles (0.000062%); highest among the groups gnomAD compares: Admixed American, 0.0017%; no homozygotes.

Submissions (3):

Ambry Genetics
Classification: Uncertain significance for Cardiovascular phenotype. Last evaluated: 2025-01-28. Review status: criteria provided, single submitter. Criteria: Ambry Variant Classification Scheme 2023. Collection method: clinical testing. Allele origin: germline.
Comment: The p.A268V variant (also known as c.803C>T), located in coding exon 7 of the MAP2K1 gene, results from a C to T substitution at nucleotide position 803. The alanine at codon 268 is replaced by valine, an amino acid with similar properties. This amino acid position is conserved. In addition, this alteration is predicted to be tolerated by in silico analysis. Based on the available evidence, the clinical significance of this variant remains unclear.

Labcorp Genetics (formerly Invitae), Labcorp
Classification: Uncertain significance for RASopathy. Last evaluated: 2024-11-18. Review status: criteria provided, single submitter. Criteria: Invitae Variant Classification Sherloc (09022015). Collection method: clinical testing. Allele origin: germline.
Comment: This sequence change replaces alanine, which is neutral and non-polar, with valine, which is neutral and non-polar, at codon 268 of the MAP2K1 protein (p.Ala268Val). This variant is present in population databases (rs757459909, gnomAD 0.003%). This variant has not been reported in the literature in individuals affected with MAP2K1-related conditions. ClinVar contains an entry for this variant (Variation ID: 228848). Invitae Evidence Modeling of protein sequence and biophysical properties (such as structural, functional, and spatial information, amino acid conservation, physicochemical variation, residue mobility, and thermodynamic stability) indicates that this missense variant is not expected to disrupt MAP2K1 protein function with a negative predictive value of 95%. In summary, the available evidence is currently insufficient to determine the role of this variant in disease. Therefore, it has been classified as a Variant of Uncertain Significance.

Laboratory for Molecular Medicine, Mass General Brigham Personalized Medicine
Classification: Uncertain significance. Last evaluated: 2015-09-11. Review status: criteria provided, single submitter. Criteria: LMM Criteria. Collection method: clinical testing. Allele origin: germline. Observed: 1 variant allele.
Comment: The p.Ala268Val variant in MAP2K1 has not been previously reported in individual s with a RASopathy, but has been identified in 1/11572 Latino chromosomes by the Exome Aggregation Consortium (ExAC). Computatio nal prediction tools and conservation analysis suggest that this variant may not impact the protein, though this information is not predictive enough to rule ou t pathogenicity. In summary, the clinical significance of the p.Ala268Val varian t is uncertain.